The following is an entry in ClinVar:

ClinVar aggregate classification (germline): Uncertain significance. Review status: criteria provided, multiple submitters, no conflicts (2 of 4 stars). 3 submissions from 3 submitters: Uncertain significance (3). Last evaluated 2024-02-29.

Allele frequency attached by ClinVar (database versions not stated): gnomAD exomes 0.00002 and 0.00007; ExAC 0.00004; gnomAD 0.00004; TOPMed 0.00004.
gnomAD v4.1: 47 of 1,613,978 alleles (0.0029%); highest among the groups gnomAD compares: Admixed American, 0.018%; no homozygotes.

Submissions (3):

GeneDx
Classification: Uncertain significance. Last evaluated: 2024-02-29. Review status: criteria provided, single submitter. Criteria: GeneDx Variant Classification Process June 2021. Collection method: clinical testing. Allele origin: germline. Affected: yes.
Comment: Observed as a heterozygous variant in a patient with Stargardt disease in published literature, although additional clinical information and whether the patient had an additional ABCA4 variant was not documented (PMID: 18977788); In silico analysis supports that this missense variant has a deleterious effect on protein structure/function; This variant is associated with the following publications: (PMID: 34426522, 32360662, 18977788)

Labcorp Genetics (formerly Invitae), Labcorp
Classification: Uncertain significance. Last evaluated: 2022-08-30. Review status: criteria provided, single submitter. Criteria: Invitae Variant Classification Sherloc (09022015). Collection method: clinical testing. Allele origin: germline.
Comment: This sequence change replaces glycine, which is neutral and non-polar, with arginine, which is basic and polar, at codon 221 of the ABCA4 protein (p.Gly221Arg). This variant is present in population databases (rs777187728, gnomAD 0.03%). This missense change has been observed in individual(s) with Stargardt disease (PMID: 18977788). ClinVar contains an entry for this variant (Variation ID: 959077). Algorithms developed to predict the effect of missense changes on protein structure and function (SIFT, PolyPhen-2, Align-GVGD) all suggest that this variant is likely to be disruptive. In summary, the available evidence is currently insufficient to determine the role of this variant in disease. Therefore, it has been classified as a Variant of Uncertain Significance.

Blueprint Genetics
Classification: Uncertain significance. Last evaluated: 2019-03-13. Review status: criteria provided, single submitter. Criteria: ACMG Guidelines, 2015. Collection method: clinical testing. Allele origin: germline.

Literature cited by the submitters: PubMed 18977788 (cited by Labcorp Genetics (formerly Invitae), Labcorp).

NM_000350.3(ABCA4):c.661G>A (p.Gly221Arg)

Gene: ABCA4 (ATP binding cassette subfamily A member 4; minus strand). Cytogenetic location: 1p22.1.
Variant type: single nucleotide variant.
Coding change: c.661G>A on transcript NM_000350.3 (MANE Select); coding-DNA position 661, G replaced by A.
Protein change: p.Gly221Arg; replaces glycine 221 with arginine.
Molecular consequence: missense variant.
Genome position (GRCh38, 1-based): chr1:94,098,901, C>T on the plus strand (G>A on the coding strand, the complement: ABCA4 is on the minus strand). VCF-style: chr1-94098901-C-T. GRCh37 (hg19) VCF-style: chr1-94564457-C-T.
Other names: c.661G>A, p.Gly221Arg (NM_001425324.1); short protein forms G221R.
Identifiers: ClinVar variation 959077 (VCV000959077.9), dbSNP rs777187728, ClinGen allele CA958776.